The following is an entry in ClinVar:

NM_003797.5(EED):c.861-10C>T

Gene: EED (embryonic ectoderm development; plus strand). Cytogenetic location: 11q14.2.
Variant type: single nucleotide variant.
Coding change: c.861-10C>T on transcript NM_003797.5 (MANE Select); 10 bases into the intron before coding-DNA position 861, C replaced by T.
Molecular consequence: intron variant.
Genome position (GRCh38, 1-based): chr11:86,268,446, C>T. VCF-style: chr11-86268446-C-T. GRCh37 (hg19) VCF-style: chr11-85979488-C-T.
Other names: c.861-10C>T (NM_001308007.2); c.726+4183C>T (NM_001330334.2).
Identifiers: ClinVar variation 3349455 (VCV003349455.3).

ClinVar aggregate classification (germline): Likely benign. Review status: criteria provided, single submitter (1 of 4 stars). 2 submissions from 2 submitters: Likely benign (1). 1 of the submissions does not count toward it. Last evaluated 2024-12-19.

Conditions:
Cohen-Gibson syndrome (COGIS). Also called: EED-Related Overgrowth. Identifiers: Orphanet 659396, MedGen C4479654, MONDO:0060510, OMIM 617561.
EED-related disorder. Also called: EED-related condition.

gnomAD v4.1: 1 of 1,454,156 alleles (0.000069%); no homozygotes.

Submissions (2):

Labcorp Genetics (formerly Invitae), Labcorp
Classification: Likely benign for Cohen-Gibson syndrome. Last evaluated: 2024-12-19. Review status: criteria provided, single submitter. Criteria: Invitae Variant Classification Sherloc (09022015). Collection method: clinical testing. Allele origin: germline.

PreventionGenetics, part of Exact Sciences
Classification: Likely benign for EED-related condition. Last evaluated: 2024-03-23. Review status: no assertion criteria provided. Collection method: clinical testing. Allele origin: germline. Not counted in ClinVar's aggregate classification.
Comment: This variant is classified as likely benign based on ACMG/AMP sequence variant interpretation guidelines (Richards et al. 2015 PMID: 25741868, with internal and published modifications).